The following is an entry in ClinVar:

NM_000465.4(BARD1):c.2273C>T (p.Ala758Val)

Gene: BARD1 (BRCA1 associated RING domain 1; minus strand). Cytogenetic location: 2q35.
Variant type: single nucleotide variant.
Coding change: c.2273C>T on transcript NM_000465.4 (MANE Select); coding-DNA position 2273, C replaced by T.
Protein change: p.Ala758Val; replaces alanine 758 with valine.
Molecular consequence: missense variant. On other transcripts: non-coding transcript variant (3).
Genome position (GRCh38, 1-based): chr2:214,728,737, G>A on the plus strand (C>T on the coding strand, the complement: BARD1 is on the minus strand). VCF-style: chr2-214728737-G-A. GRCh37 (hg19) VCF-style: chr2-215593461-G-A.
Other names: c.2216C>T, p.Ala739Val (NM_001282543.2); c.920C>T, p.Ala307Val (NM_001282545.2); c.863C>T, p.Ala288Val (NM_001282548.2); c.734C>T, p.Ala245Val (NM_001282549.2); short protein forms A245V, A307V, A288V, A739V, A758V.
Identifiers: ClinVar variation 1466571 (VCV001466571.11), dbSNP rs1574701935, ClinGen allele CA350449941.
Genomic context (GRCh38, chr2:214,728,737, plus strand): 5'-CAGCTGTCAAGAGGAAGCAACTCAAAGGACATCACACAGTCTATAAACCAGCTCGAAGGA[G>A]CCTTCCAGACTTTGCCCTGCCGAACCCTCTCTGGGTGATAATTACACAAATCTTCATAGA-3'
Protein context (NP_000456.2, residues 748-768): ERVRQGKVWK[Ala758Val]PSSWFIDCVM

ClinVar aggregate classification (germline): Uncertain significance. Review status: criteria provided, multiple submitters, no conflicts (2 of 4 stars). 4 submissions from 4 submitters: Uncertain significance (4). Last evaluated 2026-07-07.

Conditions:
Hereditary cancer-predisposing syndrome. Also called: Hereditary Cancer Syndrome; Tumor predisposition; Neoplastic Syndromes, Hereditary; Hereditary neoplastic syndrome. Identifiers: Orphanet 140162, MedGen C0027672, MeSH D009386, MONDO:0015356.
Familial cancer of breast. Also called: Hereditary breast cancer; BREAST CANCER, FAMILIAL; hereditary breast carcinoma. Identifiers: Orphanet 227535, MedGen C0346153, MONDO:0016419, OMIM 114480. Disease mechanism: loss of function.

Submissions (4):

Ambry Genetics
Classification: Uncertain significance for Hereditary cancer-predisposing syndrome. Last evaluated: 2026-07-07. Review status: criteria provided, single submitter. Criteria: Ambry Variant Classification Scheme 2023. Collection method: clinical testing. Allele origin: germline.
Comment: The p.A758V variant (also known as c.2273C>T), located in coding exon 11 of the BARD1 gene, results from a C to T substitution at nucleotide position 2273. The alanine at codon 758 is replaced by valine, an amino acid with similar properties. This amino acid position is conserved. In addition, the in silico prediction for this alteration is inconclusive. Based on the available evidence, the clinical significance of this variant remains unclear.

Labcorp Genetics (formerly Invitae), Labcorp
Classification: Uncertain significance for Familial cancer of breast. Last evaluated: 2026-01-20. Review status: criteria provided, single submitter. Criteria: Invitae Variant Classification Sherloc (09022015). Collection method: clinical testing. Allele origin: germline.
Comment: This sequence change replaces alanine, which is neutral and non-polar, with valine, which is neutral and non-polar, at codon 758 of the BARD1 protein (p.Ala758Val). This variant is not present in population databases (gnomAD no frequency). This variant has not been reported in the literature in individuals affected with BARD1-related conditions. ClinVar contains an entry for this variant (Variation ID: 1466571). An algorithm developed to predict the effect of missense changes on protein structure and function (PolyPhen-2) suggests that this variant is likely to be disruptive. In summary, the available evidence is currently insufficient to determine the role of this variant in disease. Therefore, it has been classified as a Variant of Uncertain Significance.

Molecular Diagnostics Laboratory, Catalan Institute of Oncology
Classification: Uncertain significance for Hereditary cancer-predisposing syndrome. Last evaluated: 2024-09-15. Review status: criteria provided, single submitter. Criteria: ACMG Guidelines, 2015. Collection method: clinical testing. Allele origin: germline.
Comment: PM2_Supporting c.2273C>T is located in exon 11 of the BARD1 gene, is predicted to result in the substitution of alanine by valine at codon 758, p.(Ala758Val).It is not present in the population database gnomAD v2.1.1 (non-cancer, exome only subset) (PM2_supporting). The SpliceAI algorithm predicts no significant impact on splicing and the REVEL meta-predictor score for this variant (0.329) is indeterminate regarding the effect that it may have on protein function according to Pejaver 2022 thresholds (PMID: 36413997). This variant has been identified in the ClinVar database (2x uncertain significance) but is not present in LOVD database. To our knowledge, functional studies have not been reported for this variant. Based on currently available information, the variant c.2273C>T is classified as an uncertain significance variant according to ACMG guidelines.

Sema4
Classification: Uncertain significance for Hereditary cancer-predisposing syndrome. Last evaluated: 2022-02-27. Review status: criteria provided, single submitter. Criteria: Sema4 Curation Guidelines. Collection method: curation. Allele origin: germline.
Comment: The BARD1 c.2273C>T(p.A758V) variant has not been reported in the literature to our knowledge. This variant is not reported in the population database Genome Aggregation Database (PMID: 32461654). The variant has not been reported in ClinVar. Functional studies have not been performed, and in silico predictions of the variant's effect on protein function are inconclusive. The evidence is insufficient to meet ACMG/AMP criteria for classifying the variant as benign or pathogenic. Thus, the clinical significance of this variant is currently uncertain.